The following is an entry in ClinVar:

NM_139276.3(STAT3):c.1665dup (p.Gly556fs)

Gene: STAT3 (signal transducer and activator of transcription 3; minus strand). Cytogenetic location: 17q21.2.
Variant type: Duplication.
Coding change: c.1665dup on transcript NM_139276.3 (MANE Select); coding-DNA position 1665, one base duplicated (T; older notation c.1665dupT).
Protein change: p.Gly556fs; shifts the reading frame from glycine 556.
Molecular consequence: frameshift variant.
Genome position (GRCh38, 1-based): chr17:42,323,343, A duplicated on the plus strand (T on the coding strand, the reverse complement: STAT3 is on the minus strand). VCF-style (leftmost placement, unchanged base first): chr17-42323342-C-CA. GRCh37 (hg19) VCF-style: chr17-40475360-C-CA.
Other names: c.1665dup, p.Gly556fs (NM_001369512.1, NM_001369513.1, NM_001369514.1 and 10 more transcripts); c.1581dup, p.Gly528fs (NM_001384984.1); c.1587dup, p.Gly530fs (NM_001384985.1); c.1680dup, p.Gly561fs (NM_001384986.1, NM_001384990.1); c.1644dup, p.Gly549fs (NM_001384987.1); c.1569dup, p.Gly524fs (NM_001384989.1); c.1605dup, p.Gly536fs (NM_001384992.1); short protein forms G524fs, G528fs, G530fs, G536fs, G549fs, G556fs, G561fs.
Identifiers: ClinVar variation 3239597 (VCV003239597.19), dbSNP rs2509224790.
Genomic context (GRCh38, chr17:42,323,342, plus strand): 5'-TGTACTTTTTCACAAGGTCAATGATATTGTCCAGCCAGACCCAGAAGGAGAAGCCCTTGC[C>CA]AGCCATGTTTTCCTGGAGAAAAGAGTAATGGGAAAGCCAAGTCTACTGCCATCCCAGCCC-3'

ClinVar aggregate classification (germline): Uncertain significance (1 of 4 stars; one submission).

Submission:

CeGaT Center for Human Genetics Tuebingen
Classification: Uncertain significance. Last evaluated: 2024-05-01. Review status: criteria provided, single submitter. Criteria: CeGaT Center For Human Genetics Tuebingen Variant Classification Criteria Version 2. Collection method: clinical testing. Allele origin: germline. Affected: yes. Observed: 1 variant allele.
Comment: STAT3: PM2